The following is an entry in ClinVar:

NM_000264.5(PTCH1):c.2573C>T (p.Ala858Val)

Gene: PTCH1 (patched 1; minus strand). Cytogenetic location: 9q22.32.
Variant type: single nucleotide variant.
Coding change: c.2573C>T on transcript NM_000264.5 (MANE Select); coding-DNA position 2573, C replaced by T.
Protein change: p.Ala858Val; replaces alanine 858 with valine.
Molecular consequence: missense variant. On other transcripts: non-coding transcript variant (1).
Genome position (GRCh38, 1-based): chr9:95,461,986, G>A on the plus strand (C>T on the coding strand, the complement: PTCH1 is on the minus strand). VCF-style: chr9-95461986-G-A. GRCh37 (hg19) VCF-style: chr9-98224268-G-A.
Other names: c.2375C>T, p.Ala792Val (NM_001083602.3); c.2570C>T, p.Ala857Val (NM_001083603.3); c.2120C>T, p.Ala707Val (NM_001083604.3, NM_001083605.3, NM_001083606.3 and 1 more transcripts); c.2417C>T, p.Ala806Val (NM_001354918.2); short protein forms A857V, A707V, A792V, A806V, A858V.
Identifiers: ClinVar variation 2138812 (VCV002138812.4), dbSNP rs2538095855, ClinGen allele CA374113568.

ClinVar aggregate classification (germline): Uncertain significance (1 of 4 stars; one submission).

Conditions:
Gorlin syndrome. Also called: Basal cell nevus syndrome; Nevoid Basal Cell Carcinoma Syndrome. Identifiers: Orphanet 377, MedGen C0004779, MONDO:0007187.

Submission:

Labcorp Genetics (formerly Invitae), Labcorp
Classification: Uncertain significance for Gorlin syndrome. Last evaluated: 2025-07-30. Review status: criteria provided, single submitter. Criteria: Invitae Variant Classification Sherloc (09022015). Collection method: clinical testing. Allele origin: germline.
Comment: This sequence change replaces alanine, which is neutral and non-polar, with valine, which is neutral and non-polar, at codon 858 of the PTCH1 protein (p.Ala858Val). This variant is not present in population databases (gnomAD no frequency). This variant has not been reported in the literature in individuals affected with PTCH1-related conditions. ClinVar contains an entry for this variant (Variation ID: 2138812). Invitae Evidence Modeling of protein sequence and biophysical properties (such as structural, functional, and spatial information, amino acid conservation, physicochemical variation, residue mobility, and thermodynamic stability) indicates that this missense variant is not expected to disrupt PTCH1 protein function with a negative predictive value of 95%. In summary, the available evidence is currently insufficient to determine the role of this variant in disease. Therefore, it has been classified as a Variant of Uncertain Significance.